The following is an entry in ClinVar:

NM_006642.5(SDCCAG8):c.400G>A (p.Ala134Thr)

Gene: SDCCAG8 (SHH signaling and ciliogenesis regulator SDCCAG8; plus strand). Cytogenetic location: 1q43.
Variant type: single nucleotide variant.
Coding change: c.400G>A on transcript NM_006642.5 (MANE Select); coding-DNA position 400, G replaced by A.
Protein change: p.Ala134Thr; replaces alanine 134 with threonine.
Molecular consequence: missense variant. On other transcripts: 5 prime UTR variant (3).
Genome position (GRCh38, 1-based): chr1:243,274,636, G>A. VCF-style: chr1-243274636-G-A. GRCh37 (hg19) VCF-style: chr1-243437938-G-A.
Other names: c.-713G>A (NM_001350246.2); c.-601G>A (NM_001350247.2); c.400G>A, p.Ala134Thr (NM_001350248.2); c.106G>A, p.Ala36Thr (NM_001350249.2); c.-974G>A (NM_001350251.2); short protein forms A134T, A36T.
Identifiers: ClinVar variation 4864200 (VCV004864200.1).

ClinVar aggregate classification (germline): Uncertain significance (1 of 4 stars; one submission).

Conditions:
Inborn genetic diseases. Identifiers: MedGen C0950123, MeSH D030342.

gnomAD v4.1: 3 of 1,600,542 alleles (0.00019%); highest among the groups gnomAD compares: East Asian, 0.0067%; no homozygotes.

Submission:

Ambry Genetics
Classification: Uncertain significance for Inborn genetic diseases. Last evaluated: 2026-05-19. Review status: criteria provided, single submitter. Criteria: Ambry Variant Classification Scheme 2023. Collection method: clinical testing. Allele origin: germline.
Comment: The c.400G>A (p.A134T) alteration is located in exon 4 (coding exon 4) of the SDCCAG8 gene. This alteration results from a G to A substitution at nucleotide position 400, causing the alanine (A) at amino acid position 134 to be replaced by a threonine (T). Based on data from gnomAD, the A allele has an overall frequency of <0.001% (1/251212) total alleles studied. The highest observed frequency was 0.005% (1/18394) of East Asian alleles. Based on insufficient or conflicting evidence, the clinical significance of this alteration remains unclear.